The following is an entry in ClinVar:

NM_020795.4(NLGN2):c.2441C>A (p.Pro814Gln)

Gene: NLGN2 (neuroligin 2; plus strand). Cytogenetic location: 17p13.1.
Variant type: single nucleotide variant.
Coding change: c.2441C>A on transcript NM_020795.4 (MANE Select); coding-DNA position 2441, C replaced by A.
Protein change: p.Pro814Gln; replaces proline 814 with glutamine.
Molecular consequence: missense variant.
Genome position (GRCh38, 1-based): chr17:7,417,732, C>A. VCF-style: chr17-7417732-C-A. GRCh37 (hg19) VCF-style: chr17-7321051-C-A.
Other names: c.2441C>A (NM_020795.2); short protein forms P814Q.
Identifiers: ClinVar variation 3663646 (VCV003663646.3).

ClinVar aggregate classification (germline): Uncertain significance. Review status: criteria provided, multiple submitters, no conflicts (2 of 4 stars). 2 submissions from 2 submitters: Uncertain significance (2). Last evaluated 2025-07-07.

Submissions (2):

Labcorp Genetics (formerly Invitae), Labcorp
Classification: Uncertain significance. Last evaluated: 2025-07-07. Review status: criteria provided, single submitter. Criteria: Invitae Variant Classification Sherloc (09022015). Collection method: clinical testing. Allele origin: germline.
Comment: This sequence change replaces proline, which is neutral and non-polar, with glutamine, which is neutral and polar, at codon 814 of the NLGN2 protein (p.Pro814Gln). The frequency data for this variant in the population databases is considered unreliable, as metrics indicate insufficient coverage at this position in the gnomAD database. This variant has not been reported in the literature in individuals affected with NLGN2-related conditions. ClinVar contains an entry for this variant (Variation ID: 3663646). An algorithm developed to predict the effect of missense changes on protein structure and function (PolyPhen-2) suggests that this variant is likely to be disruptive. In summary, the available evidence is currently insufficient to determine the role of this variant in disease. Therefore, it has been classified as a Variant of Uncertain Significance.

Ambry Genetics
Classification: Uncertain significance. Last evaluated: 2025-04-28. Review status: criteria provided, single submitter. Criteria: Ambry Variant Classification Scheme 2023. Collection method: clinical testing. Allele origin: germline.